The following is an entry in ClinVar:

NM_014629.4(ARHGEF10):c.667G>C (p.Asp223His)

Gene: ARHGEF10 (Rho guanine nucleotide exchange factor 10; plus strand). Cytogenetic location: 8p23.3.
Variant type: single nucleotide variant.
Coding change: c.667G>C on transcript NM_014629.4 (MANE Select); coding-DNA position 667, G replaced by C.
Protein change: p.Asp223His; replaces aspartic acid 223 with histidine.
Molecular consequence: missense variant.
Genome position (GRCh38, 1-based): chr8:1,869,238, G>C. VCF-style: chr8-1869238-G-C. GRCh37 (hg19) VCF-style: chr8-1817404-G-C.
Other names: c.670G>C, p.Asp224His (NM_001308152.2, NM_001308153.3, NM_001438091.1 and 2 more transcripts); c.667G>C, p.Asp223His (NM_001438093.1); short protein forms D223H, D224H, D248H.
Identifiers: ClinVar variation 4697991 (VCV004697991.1).

ClinVar aggregate classification (germline): Uncertain significance (1 of 4 stars; one submission).

Submission:

Labcorp Genetics (formerly Invitae), Labcorp
Classification: Uncertain significance. Last evaluated: 2025-09-14. Review status: criteria provided, single submitter. Criteria: Invitae Variant Classification Sherloc (09022015). Collection method: clinical testing. Allele origin: germline.
Comment: This sequence change replaces aspartic acid, which is acidic and polar, with histidine, which is basic and polar, at codon 223 of the ARHGEF10 protein (p.Asp223His). This variant is present in population databases (rs372433526, gnomAD 0.004%). This variant has not been reported in the literature in individuals affected with ARHGEF10-related conditions. An algorithm developed to predict the effect of missense changes on protein structure and function (PolyPhen-2) suggests that this variant is likely to be disruptive. In summary, the available evidence is currently insufficient to determine the role of this variant in disease. Therefore, it has been classified as a Variant of Uncertain Significance.